The following is an entry in ClinVar:

NM_001034853.2(RPGR):c.414C>G (p.Ser138=)

Gene: RPGR (retinitis pigmentosa GTPase regulator; minus strand). Cytogenetic location: Xp11.4.
Variant type: single nucleotide variant.
Coding change: c.414C>G on transcript NM_001034853.2 (MANE Select); coding-DNA position 414, C replaced by G.
Protein change: p.Ser138=; no amino-acid change (serine 138 retained).
Molecular consequence: synonymous variant. On other transcripts: non-coding transcript variant (6).
Genome position (GRCh38, 1-based): chrX:38,318,884, G>C on the plus strand (C>G on the coding strand, the complement: RPGR is on the minus strand). VCF-style: chrX-38318884-G-C. GRCh37 (hg19) VCF-style: chrX-38178137-G-C.
Other names: NM_001034853.2(RPGR):c.414C>G; p.Ser138=; c.414C>G, p.Ser138= (NM_000328.3, NM_001367245.1, NM_001367246.1 and 3 more transcripts); c.444C>G, p.Ser148= (NM_001367248.1); c.411C>G, p.Ser137= (NM_001367249.1).
Identifiers: ClinVar variation 2414223 (VCV002414223.15), dbSNP rs376887697, ClinGen allele CA10385664.

ClinVar aggregate classification (germline): Likely benign. Review status: reviewed by expert panel (3 of 4 stars). 2 submissions from 2 submitters: Likely benign (1). 1 of the submissions does not count toward it. Last evaluated 2026-11-20.

Conditions:
RPGR-related retinopathy. Also called: RPGR retinopathy. Identifiers: MedGen CN305589, MONDO:0100437.
Primary ciliary dyskinesia. Also called: Ciliary dyskinesia. Identifiers: Orphanet 244, MedGen C0008780, MONDO:0016575, HP:0012265.

gnomAD v4.1: 1 of 1,211,275 alleles (0.000083%); highest among the groups gnomAD compares: Non-Finnish European, 0.00011%; no homozygotes.

Submissions (2):

ClinGen X-linked Inherited Retinal Disease Variant Curation Expert Panel, ClinGen
Classification: Likely benign for RPGR-related retinopathy. Last evaluated: 2026-11-20. Review status: reviewed by expert panel. Criteria: ClinGen X LinkedIRD ACMG Specifications RPGR V1.0.0. Collection method: curation. Allele origin: germline. Inheritance: X-linked inheritance.
Comment: NM_001034853.2(RPGR):c.414C>G is a silent variant at codon 138 that does not have an impact on splicing sites, according to SpliceAI, which predicts a delta score of 0.05 for donor loss, which is below the ClinGen X-linked IRD VCEP recommended threshold of <0.1 and does not strongly predict an impact on splicing (BP7, BP4). This variant is present in gnomAD v.4.1.2 at a frequency of 0.000 among hemizygous individuals, with 0 variant alleles / 398853 total hemizygous alleles, which is lower than the ClinGen X-linked IRD VCEP PM2_Supporting threshold of < 0.0000005 (PM2_Supporting). In summary, this variant is classified as likely benign for RPGR-related retinopathy based on the ClinGen X-linked Inherited Retinal Disease Expert Panel Specifications to the ACMG/AMP Variant Interpretation Guidelines for RPGR, Version 1.0.0, using the following evidence codes: BP4, BP7, and PM2_Supporting.

Labcorp Genetics (formerly Invitae), Labcorp
Classification: Likely benign for Primary ciliary dyskinesia. Last evaluated: 2025-09-26. Review status: criteria provided, single submitter. Criteria: Invitae Variant Classification Sherloc (09022015). Collection method: clinical testing. Allele origin: germline. Not counted in ClinVar's aggregate classification.